The following is an entry in ClinVar:

ClinVar aggregate classification (germline): Uncertain significance. Review status: criteria provided, multiple submitters, no conflicts (2 of 4 stars). 3 submissions from 3 submitters: Uncertain significance (3). Last evaluated 2025-12-21.

Allele frequency attached by ClinVar (database versions not stated): ExAC 0.00015; 1000 Genomes Project 0.00020; ESP Exome Variant Server 0.00023; 1000 Genomes Project 30x 0.00031; gnomAD 0.00009; TOPMed 0.00013; gnomAD exomes 0.00014.
gnomAD v4.1: 68 of 1,614,100 alleles (0.0042%); highest among the groups gnomAD compares: Admixed American, 0.052%; no homozygotes.

Submissions (3):

GeneDx
Classification: Uncertain significance. Last evaluated: 2025-12-21. Review status: criteria provided, single submitter. Criteria: GeneDx Variant Classification Process June 2021. Collection method: clinical testing. Allele origin: germline. Affected: yes.
Comment: Has not been previously published as pathogenic or benign to our knowledge; In silico analysis supports that this missense variant has a deleterious effect on protein structure/function

Mayo Clinic Laboratories, Mayo Clinic
Classification: Uncertain significance. Last evaluated: 2025-08-03. Review status: criteria provided, single submitter. Criteria: ACMG Guidelines, 2015. Collection method: clinical testing. Allele origin: germline. Observed: 1 variant allele.

Labcorp Genetics (formerly Invitae), Labcorp
Classification: Uncertain significance. Last evaluated: 2022-08-07. Review status: criteria provided, single submitter. Criteria: Invitae Variant Classification Sherloc (09022015). Collection method: clinical testing. Allele origin: germline.
Comment: This sequence change replaces arginine, which is basic and polar, with glutamine, which is neutral and polar, at codon 512 of the COQ8A protein (p.Arg512Gln). This variant is present in population databases (rs200115323, gnomAD 0.08%). This variant has not been reported in the literature in individuals affected with COQ8A-related conditions. ClinVar contains an entry for this variant (Variation ID: 1022194). Advanced modeling of protein sequence and biophysical properties (such as structural, functional, and spatial information, amino acid conservation, physicochemical variation, residue mobility, and thermodynamic stability) performed at Invitae indicates that this missense variant is expected to disrupt COQ8A protein function. Algorithms developed to predict the effect of sequence changes on RNA splicing suggest that this variant may create or strengthen a splice site. In summary, the available evidence is currently insufficient to determine the role of this variant in disease. Therefore, it has been classified as a Variant of Uncertain Significance.

NM_020247.5(COQ8A):c.1535G>A (p.Arg512Gln)

Gene: COQ8A (coenzyme Q8A; plus strand). Cytogenetic location: 1q42.13.
Variant type: single nucleotide variant.
Coding change: c.1535G>A on transcript NM_020247.5 (MANE Select); coding-DNA position 1535, G replaced by A.
Protein change: p.Arg512Gln; replaces arginine 512 with glutamine.
Molecular consequence: missense variant.
Genome position (GRCh38, 1-based): chr1:226,984,904, G>A. VCF-style: chr1-226984904-G-A. GRCh37 (hg19) VCF-style: chr1-227172605-G-A.
Other names: p.Arg512Gln; short protein forms R512Q.
Identifiers: ClinVar variation 1022194 (VCV001022194.7), dbSNP rs200115323, ClinGen allele CA1425531.